The following is an entry in ClinVar:

ClinVar aggregate classification (germline): Uncertain significance (1 of 4 stars; one submission).

Conditions:
Familial hypocalciuric hypercalcemia (FHH). Also called: Familial benign hypercalcemia. Identifiers: Orphanet 405, MedGen C1809471, MONDO:0018458.
Autosomal dominant hypocalcemia 1 (HYPOC1). Also called: HYPOCALCEMIA, FAMILIAL. Identifiers: MedGen C3715128, MONDO:0011013, OMIM 601198.

Allele frequency attached by ClinVar (database versions not stated): gnomAD exomes below 0.00001; ExAC 0.00001.
gnomAD v4.1: 1 of 1,614,166 alleles (0.000062%); highest among the groups gnomAD compares: Admixed American, 0.0017%; no homozygotes.

Submission:

Labcorp Genetics (formerly Invitae), Labcorp
Classification: Uncertain significance for Familial hypocalciuric hypercalcemia; Autosomal dominant hypocalcemia 1. Last evaluated: 2020-12-23. Review status: criteria provided, single submitter. Criteria: Invitae Variant Classification Sherloc (09022015). Collection method: clinical testing. Allele origin: germline.
Comment: This sequence change replaces serine with tyrosine at codon 122 of the CASR protein (p.Ser122Tyr). The serine residue is highly conserved and there is a large physicochemical difference between serine and tyrosine. In summary, the available evidence is currently insufficient to determine the role of this variant in disease. Therefore, it has been classified as a Variant of Uncertain Significance. Algorithms developed to predict the effect of missense changes on protein structure and function (SIFT, PolyPhen-2, Align-GVGD) all suggest that this variant is likely to be disruptive, but these predictions have not been confirmed by published functional studies and their clinical significance is uncertain. This variant has not been reported in the literature in individuals with CASR-related disease. This variant is present in population databases (rs778201006, ExAC 0.009%).

NM_000388.4(CASR):c.365C>A (p.Ser122Tyr)

Gene: CASR (calcium sensing receptor; plus strand). Cytogenetic location: 3q21.1.
Variant type: single nucleotide variant.
Coding change: c.365C>A on transcript NM_000388.4 (MANE Select); coding-DNA position 365, C replaced by A.
Protein change: p.Ser122Tyr; replaces serine 122 with tyrosine.
Molecular consequence: missense variant.
Genome position (GRCh38, 1-based): chr3:122,257,260, C>A. VCF-style: chr3-122257260-C-A. GRCh37 (hg19) VCF-style: chr3-121976107-C-A.
Other names: c.365C>A, p.Ser122Tyr (NM_001178065.2); short protein forms S122Y.
Identifiers: ClinVar variation 532621 (VCV000532621.10), dbSNP rs778201006, ClinGen allele CA2569462.